The following is an entry in ClinVar:

NM_000276.4(OCRL):c.1655G>A (p.Arg552His)

Gene: OCRL (OCRL inositol polyphosphate-5-phosphatase; plus strand). Cytogenetic location: Xq26.1.
Variant type: single nucleotide variant.
Coding change: c.1655G>A on transcript NM_000276.4 (MANE Select); coding-DNA position 1655, G replaced by A.
Protein change: p.Arg552His; replaces arginine 552 with histidine.
Molecular consequence: missense variant.
Genome position (GRCh38, 1-based): chrX:129,575,192, G>A. VCF-style: chrX-129575192-G-A. GRCh37 (hg19) VCF-style: chrX-128709169-G-A.
Other names: c.1658G>A, p.Arg553His (NM_001318784.2); c.1655G>A, p.Arg552His (NM_001587.4); short protein forms R552H, R553H.
Identifiers: ClinVar variation 1428534 (VCV001428534.6), dbSNP rs2124417872, ClinGen allele CA414617671.

ClinVar aggregate classification (germline): Uncertain significance (1 of 4 stars; one submission).

Conditions:
Lowe syndrome (OCRL). Also called: Oculocerebrorenal Syndrome; LOWE OCULOCEREBRORENAL SYNDROME; PHOSPHATIDYLINOSITOL 4,5-BISPHOSPHATE 5-PHOSPHATASE DEFICIENCY. Identifiers: Orphanet 534, MedGen C0028860, MONDO:0010645, OMIM 309000.

Submission:

Labcorp Genetics (formerly Invitae), Labcorp
Classification: Uncertain significance for Lowe syndrome. Last evaluated: 2024-01-22. Review status: criteria provided, single submitter. Criteria: Invitae Variant Classification Sherloc (09022015). Collection method: clinical testing. Allele origin: germline.
Comment: This sequence change replaces arginine, which is basic and polar, with histidine, which is basic and polar, at codon 552 of the OCRL protein (p.Arg552His). This variant is not present in population databases (gnomAD no frequency). This variant has not been reported in the literature in individuals affected with OCRL-related conditions. ClinVar contains an entry for this variant (Variation ID: 1428534). Advanced modeling of protein sequence and biophysical properties (such as structural, functional, and spatial information, amino acid conservation, physicochemical variation, residue mobility, and thermodynamic stability) has been performed at Invitae for this missense variant, however the output from this modeling did not meet the statistical confidence thresholds required to predict the impact of this variant on OCRL protein function. In summary, the available evidence is currently insufficient to determine the role of this variant in disease. Therefore, it has been classified as a Variant of Uncertain Significance.